The following is an entry in ClinVar:

NM_017415.3(KLHL3):c.*1583C>T

Gene: KLHL3 (kelch like family member 3; minus strand). Cytogenetic location: 5q31.2.
Variant type: single nucleotide variant.
Coding change: c.*1583C>T on transcript NM_017415.3 (MANE Select); 1583 bases downstream of the stop codon, C replaced by T.
Molecular consequence: 3 prime UTR variant.
Genome position (GRCh38, 1-based): chr5:137,620,515, G>A on the plus strand (C>T on the coding strand, the complement: KLHL3 is on the minus strand). VCF-style: chr5-137620515-G-A. GRCh37 (hg19) VCF-style: chr5-136956204-G-A.
Other names: c.*1583C>T (NM_001257194.1, NM_001257195.2).
Identifiers: ClinVar variation 350962 (VCV000350962.6), dbSNP rs554048189, ClinGen allele CA10619068.
Genomic context (GRCh38, chr5:137,620,515, plus strand): 5'-AGTCCAACATCAGGATTTATAAAGTTCCTTGGCTTCCTGTAGGTGGATTCTCAAAGTAGG[G>A]AGGGTGTCCCAGACTGCAAGGTATGAGACTATTCTCCAGACACAAGACTTCCCCTGCTTA-3'

ClinVar aggregate classification (germline): Benign (1 of 4 stars; one submission).

Conditions:
Pseudohypoaldosteronism type 2D (PHA2D). Also called: FAMILIAL HYPERKALEMIC HYPERTENSION; PSEUDOHYPOALDOSTERONISM, TYPE IID, AUTOSOMAL DOMINANT OR RECESSIVE; Pseudohypoaldosteronism Type IID. Identifiers: Orphanet 300525, Orphanet 757, MedGen C3469605, MONDO:0013781, OMIM 614495.

Allele frequency attached by ClinVar (database versions not stated): gnomAD 0.00001 and 0.00009; TOPMed 0.00003; 1000 Genomes Project 30x 0.00078; 1000 Genomes Project 0.00100.
gnomAD v4.1: 14 of 152,284 alleles (0.0092%); highest among the groups gnomAD compares: South Asian, 0.27%; no homozygotes.

Submission:

Illumina Laboratory Services, Illumina
Classification: Benign for Pseudohypoaldosteronism type 2D. Last evaluated: 2018-01-13. Review status: criteria provided, single submitter. Criteria: ICSL Variant Classification Criteria 13 December 2019. Collection method: clinical testing. Allele origin: germline.
Comment: This variant was observed in the ICSL laboratory as part of a predisposition screen in an ostensibly healthy population. It had not been previously curated by ICSL or reported in the Human Gene Mutation Database (HGMD: prior to June 1st, 2018), and was therefore a candidate for classification through an automated scoring system. Utilizing variant allele frequency, disease prevalence and penetrance estimates, and inheritance mode, an automated score was calculated to assess if this variant is too frequent to cause the disease. Based on the score and internal cut-off values, a variant classified as benign is not then subjected to further curation. The score for this variant resulted in a classification of benign for this disease.